The following is an entry in ClinVar:

ClinVar aggregate classification (germline): Pathogenic (1 of 4 stars; one submission).

Conditions:
Marfan syndrome (MFS). Also called: FBN1-Related Marfan Syndrome; MARFAN SYNDROME, TYPE I; Marfan syndrome type 1; Marfan's syndrome; Marfan syndrome, classic. Identifiers: Orphanet 284963, Orphanet 558, MedGen C0024796, MONDO:0007947, OMIM 154700.

Submission:

Research Center of Medical Experimental Technology, The Third Xiangya Hospital of Central South University
Classification: Pathogenic for Marfan syndrome. Last evaluated: 2026-07-16. Review status: criteria provided, single submitter. Criteria: Drackley et al. (Genome Med. 2024). Collection method: clinical testing. Allele origin: germline. Affected: yes.
Comment: The c.239_247+6del variant, a deletion of 15 nucleotides at positions c.239 to c.247+6, involves the last 9 nucleotides of exon 3 and the first 6 intronic nucleotides of the FBN1 gene, which includes the canonical donor splice site of intron 3. Consistent with in silico splice site predictions, an in vitro FBN1 minigene assay confirms that the variant disrupts the canonical donor site of intron 3 and activates a cryptic donor site in exon 3, leading to an aberrant partial exon deletion, frameshift, and a premature termination codon, demonstrated as r.237_247del, p.(Gln79HisfsTer46). This variant has not been reported in the literature or in population databases (no frequency in gnomAD v2.1.1). Therefore, this variant meets the criteria to be classified as Pathogenic.

NM_000138.5(FBN1):c.239_247+6del

Gene: FBN1 (fibrillin 1; minus strand). Cytogenetic location: 15q21.1.
Variant type: Deletion.
Coding change: c.239_247+6del on transcript NM_000138.5 (MANE Select); coding-DNA position 239 through 6 bases into the intron after coding-DNA position 247, 15 bases deleted (GTATTGTCCGTAAGT).
Molecular consequence: splice donor variant.
Genome position (GRCh38, 1-based): chr15:48,613,004-48,613,018, ACTTACGGACAATAC deleted on the plus strand (GTATTGTCCGTAAGT on the coding strand, the reverse complement: FBN1 is on the minus strand); deleting any 15 consecutive bases within chr15:48,613,004-48,613,021 gives the same sequence; the c. name uses the placement nearest the transcript's 3' end. VCF-style (leftmost placement, unchanged base first): chr15-48613003-TACTTACGGACAATAC-T. GRCh37 (hg19) VCF-style: chr15-48905200-TACTTACGGACAATAC-T.
Other names: c.239_247+6del (NM_001406716.1, NM_001406717.1).
Identifiers: ClinVar variation 4871866 (VCV004871866.1).